The following is an entry in ClinVar:

ClinVar aggregate classification (germline): Uncertain significance. Review status: criteria provided, multiple submitters, no conflicts (2 of 4 stars). 2 submissions from 2 submitters: Uncertain significance (2). Last evaluated 2024-10-15.

Conditions:
KBG syndrome (KBGS). Also called: ANKRD11-Related KBG Syndrome. Identifiers: Orphanet 2332, MedGen C0220687, MONDO:0007846, OMIM 148050.

Submissions (2):

Labcorp Genetics (formerly Invitae), Labcorp
Classification: Uncertain significance for KBG syndrome. Last evaluated: 2024-10-15. Review status: criteria provided, single submitter. Criteria: Invitae Variant Classification Sherloc (09022015). Collection method: clinical testing. Allele origin: germline.
Comment: This sequence change replaces leucine, which is neutral and non-polar, with methionine, which is neutral and non-polar, at codon 1043 of the ANKRD11 protein (p.Leu1043Met). This variant is not present in population databases (gnomAD no frequency). This variant has not been reported in the literature in individuals affected with ANKRD11-related conditions. ClinVar contains an entry for this variant (Variation ID: 1027799). Invitae Evidence Modeling of protein sequence and biophysical properties (such as structural, functional, and spatial information, amino acid conservation, physicochemical variation, residue mobility, and thermodynamic stability) indicates that this missense variant is not expected to disrupt ANKRD11 protein function with a negative predictive value of 95%. In summary, the available evidence is currently insufficient to determine the role of this variant in disease. Therefore, it has been classified as a Variant of Uncertain Significance.

Baylor Genetics
Classification: Uncertain significance for KBG syndrome. Last evaluated: 2020-03-23. Review status: criteria provided, single submitter. Criteria: ACMG Guidelines, 2015. Collection method: clinical testing. Allele origin: unknown. Affected: yes.
Comment: This variant was determined to be of uncertain significance according to ACMG Guidelines, 2015 [PMID:25741868].

NM_013275.6(ANKRD11):c.3127C>A (p.Leu1043Met)

Gene: ANKRD11 (ankyrin repeat domain 11; minus strand). Cytogenetic location: 16q24.3.
Variant type: single nucleotide variant.
Coding change: c.3127C>A on transcript NM_013275.6 (MANE Select); coding-DNA position 3127, C replaced by A.
Protein change: p.Leu1043Met; replaces leucine 1043 with methionine.
Molecular consequence: missense variant.
Genome position (GRCh38, 1-based): chr16:89,283,415, G>T on the plus strand (C>A on the coding strand, the complement: ANKRD11 is on the minus strand). VCF-style: chr16-89283415-G-T. GRCh37 (hg19) VCF-style: chr16-89349823-G-T.
Other names: c.3127C>A, p.Leu1043Met (NM_001256182.2, NM_001256183.2); short protein forms L1043M.
Identifiers: ClinVar variation 1027799 (VCV001027799.6), dbSNP rs1261967882, ClinGen allele CA397160534.